The following is an entry in ClinVar:

ClinVar aggregate classification (germline): Benign/Likely benign. Review status: criteria provided, multiple submitters, no conflicts (2 of 4 stars). 3 submissions from 3 submitters: Benign (1); Likely benign (2). Last evaluated 2025-12-08.

Conditions:
Combined oxidative phosphorylation deficiency 44. Also called: FASTKD2-Related Combined Oxidative Phosphorylation Deficiency. Identifiers: MedGen C5394293, MONDO:0030020, OMIM 618855.

Submissions (3):

Labcorp Genetics (formerly Invitae), Labcorp
Classification: Benign. Last evaluated: 2025-12-08. Review status: criteria provided, single submitter. Criteria: Invitae Variant Classification Sherloc (09022015). Collection method: clinical testing. Allele origin: germline.

Fulgent Genetics
Classification: Likely benign for Combined oxidative phosphorylation deficiency 44. Last evaluated: 2022-03-10. Review status: criteria provided, single submitter. Criteria: ACMG Guidelines, 2015. Collection method: clinical testing. Allele origin: unknown.

GeneDx
Classification: Likely benign. Last evaluated: 2017-07-31. Review status: criteria provided, single submitter. Criteria: GeneDx Variant Classification (06012015). Collection method: clinical testing. Allele origin: germline. Affected: yes.
Comment: This variant is considered likely benign or benign based on one or more of the following criteria: it is a conservative change, it occurs at a poorly conserved position in the protein, it is predicted to be benign by multiple in silico algorithms, and/or has population frequency not consistent with disease.

NM_001136193.2(FASTKD2):c.1427+20dup

Gene: FASTKD2 (FAST kinase domains 2; plus strand). Cytogenetic location: 2q33.3.
Variant type: Duplication.
Coding change: c.1427+20dup on transcript NM_001136193.2 (MANE Select); 20 bases into the intron after coding-DNA position 1427, one base duplicated (T; older notation c.1427+20dupT).
Molecular consequence: intron variant.
Genome position (GRCh38, 1-based): chr2:206,774,417, T duplicated; the last of 9 consecutive T bases (chr2:206,774,409-206,774,417); duplicating any one gives the same sequence. VCF-style (leftmost placement, unchanged base first): chr2-206774408-G-GT. GRCh37 (hg19) VCF-style: chr2-207639132-G-GT.
Other names: c.1427+20dupT (NM_014929.3); c.1427+20dup (NM_001136194.2, NM_014929.4).
Identifiers: ClinVar variation 517009 (VCV000517009.9), dbSNP rs371981683, ClinGen allele CA2075148.